The following is an entry in ClinVar:

ClinVar aggregate classification (germline): Pathogenic. Review status: criteria provided, single submitter (1 of 4 stars). 3 submissions from 2 submitters: Pathogenic (1). 2 of the submissions do not count toward it. Last evaluated 2025-12-15.

Conditions:
Lesch-Nyhan syndrome (LNS). Also called: HPRT DEFICIENCY, COMPLETE; Lesch-Nyhan Disease (LND). Identifiers: Orphanet 510, MedGen C0023374, MONDO:0010298, OMIM 300322.
Partial hypoxanthine-guanine phosphoribosyltransferase deficiency. Also called: HPRT DEFICIENCY, PARTIAL; HYPOXANTHINE GUANINE PHOSPHORIBOSYLTRANSFERASE 1 DEFICIENCY, PARTIAL; HPRT1 DEFICIENCY, PARTIAL; Kelley-Seegmiller Syndrome; GOUT, HPRT-RELATED. Identifiers: Orphanet 79233, MedGen C0268117, MONDO:0010299, OMIM 300323.
HPRT NEW HAVEN.

Submissions (3):

Labcorp Genetics (formerly Invitae), Labcorp
Classification: Pathogenic for Lesch-Nyhan syndrome; Partial hypoxanthine-guanine phosphoribosyltransferase deficiency. Last evaluated: 2025-12-15. Review status: criteria provided, single submitter. Criteria: Invitae Variant Classification Sherloc (09022015). Collection method: clinical testing. Allele origin: germline.
Comment: This sequence change replaces glycine, which is neutral and non-polar, with glutamic acid, which is acidic and polar, at codon 70 of the HPRT1 protein (p.Gly70Glu). This variant is not present in population databases (gnomAD no frequency). This missense change has been observed in individual(s) with Lesch-Nyhan syndrome (PMID: 11018746, 16549399, 17454734). In at least one individual the variant was observed to be de novo. ClinVar contains an entry for this variant (Variation ID: 10044). An algorithm developed to predict the effect of missense changes on protein structure and function (PolyPhen-2) suggests that this variant is likely to be tolerated. Experimental studies have shown that this missense change affects HPRT1 function (PMID: 22157001). For these reasons, this variant has been classified as Pathogenic.

OMIM
Classification: other for HPRT NEW HAVEN. Last evaluated: 2017-09-26. Review status: no assertion criteria provided. Collection method: literature only. Allele origin: germline. Not counted in ClinVar's aggregate classification.

OMIM
Classification: Pathogenic for LESCH-NYHAN SYNDROME. Last evaluated: 1989-07-01. Review status: no assertion criteria provided. Collection method: literature only. Allele origin: germline. Not counted in ClinVar's aggregate classification.

Literature cited by the submitters: PubMed 11018746 (cited by Labcorp Genetics (formerly Invitae), Labcorp); PubMed 16549399 (cited by Labcorp Genetics (formerly Invitae), Labcorp); PubMed 17454734 (cited by Labcorp Genetics (formerly Invitae), Labcorp); PubMed 22157001 (cited by Labcorp Genetics (formerly Invitae), Labcorp); PubMed 2738157 (cited by OMIM).

NM_000194.2(HPRT1):c.209G>A (p.Gly70Glu)

Gene: HPRT1 (hypoxanthine phosphoribosyltransferase 1; plus strand). Cytogenetic location: Xq26.2.
Variant type: single nucleotide variant.
Coding change: c.209G>A on transcript NM_000194.2; coding-DNA position 209, G replaced by A.
Protein change: p.Gly70Glu; replaces glycine 70 with glutamic acid.
Molecular consequence: missense variant (on NM_000194.3).
Genome position (GRCh38, 1-based): chrX:134,475,255, G>A. VCF-style: chrX-134475255-G-A. GRCh37 (hg19) VCF-style: chrX-133609285-G-A.
Other names: c.209G>A, p.Gly70Glu (NM_000194.3); short protein forms G70E.
Identifiers: ClinVar variation 10044 (VCV000010044.10), dbSNP rs137852487, ClinGen allele CA120899.